The following is an entry in ClinVar:

NM_144687.4(NLRP12):c.1709A>C (p.Glu570Ala)

Gene: NLRP12 (NLR family pyrin domain containing 12; minus strand). Cytogenetic location: 19q13.42.
Variant type: single nucleotide variant.
Coding change: c.1709A>C on transcript NM_144687.4 (MANE Select); coding-DNA position 1709, A replaced by C.
Protein change: p.Glu570Ala; replaces glutamic acid 570 with alanine.
Molecular consequence: missense variant.
Genome position (GRCh38, 1-based): chr19:53,809,950, T>G on the plus strand (A>C on the coding strand, the complement: NLRP12 is on the minus strand). VCF-style: chr19-53809950-T-G. GRCh37 (hg19) VCF-style: chr19-54313204-T-G.
Other names: c.1709A>C, p.Glu570Ala (NM_001277126.2, NM_001277129.1); c.1709A>C (NM_144687.2); short protein forms E570A.
Identifiers: ClinVar variation 2988555 (VCV002988555.4), dbSNP rs2514334199, ClinGen allele CA407412850.

ClinVar aggregate classification (germline): Uncertain significance. Review status: criteria provided, multiple submitters, no conflicts (2 of 4 stars). 2 submissions from 2 submitters: Uncertain significance (2). Last evaluated 2025-08-03.

Conditions:
Inborn genetic diseases. Identifiers: MedGen C0950123, MeSH D030342.
Familial cold autoinflammatory syndrome 2 (FCAS2). Identifiers: Orphanet 247868, MedGen C2673198, MONDO:0012724, OMIM 611762.

Submissions (2):

Ambry Genetics
Classification: Uncertain significance for Inborn genetic diseases. Last evaluated: 2025-08-03. Review status: criteria provided, single submitter. Criteria: Ambry Variant Classification Scheme 2023. Collection method: clinical testing. Allele origin: germline.

Labcorp Genetics (formerly Invitae), Labcorp
Classification: Uncertain significance for Familial cold autoinflammatory syndrome 2. Last evaluated: 2023-03-22. Review status: criteria provided, single submitter. Criteria: Invitae Variant Classification Sherloc (09022015). Collection method: clinical testing. Allele origin: germline.
Comment: In summary, the available evidence is currently insufficient to determine the role of this variant in disease. Therefore, it has been classified as a Variant of Uncertain Significance. This sequence change replaces glutamic acid, which is acidic and polar, with alanine, which is neutral and non-polar, at codon 570 of the NLRP12 protein (p.Glu570Ala). This variant is not present in population databases (gnomAD no frequency). This variant has not been reported in the literature in individuals affected with NLRP12-related conditions. Advanced modeling of protein sequence and biophysical properties (such as structural, functional, and spatial information, amino acid conservation, physicochemical variation, residue mobility, and thermodynamic stability) performed at Invitae indicates that this missense variant is not expected to disrupt NLRP12 protein function.